The following is an entry in ClinVar:

ClinVar aggregate classification (germline): Uncertain significance. Review status: criteria provided, multiple submitters, no conflicts (2 of 4 stars). 3 submissions from 3 submitters: Uncertain significance (3). Last evaluated 2025-08-25.

Conditions:
Inborn genetic diseases. Identifiers: MedGen C0950123, MeSH D030342.
Neutral 1 amino acid transport defect (HND). Also called: HARTNUP DISORDER; Hartnup disease. Identifiers: Orphanet 2116, MedGen C0018609, MONDO:0009324, OMIM 234500.

Allele frequency attached by ClinVar (database versions not stated): ExAC 0.00001; TOPMed 0.00002; 1000 Genomes Project 30x 0.00016; 1000 Genomes Project 0.00020.
gnomAD v4.1: 11 of 1,613,106 alleles (0.00068%); highest among the groups gnomAD compares: Admixed American, 0.0017%; no homozygotes.

Submissions (3):

Ambry Genetics
Classification: Uncertain significance for Inborn genetic diseases. Last evaluated: 2025-08-25. Review status: criteria provided, single submitter. Criteria: Ambry Variant Classification Scheme 2023. Collection method: clinical testing. Allele origin: germline.

Fulgent Genetics
Classification: Uncertain significance for Neutral 1 amino acid transport defect. Last evaluated: 2024-02-27. Review status: criteria provided, single submitter. Criteria: ACMG Guidelines, 2015. Collection method: clinical testing. Allele origin: germline.

Labcorp Genetics (formerly Invitae), Labcorp
Classification: Uncertain significance. Last evaluated: 2022-06-13. Review status: criteria provided, single submitter. Criteria: Invitae Variant Classification Sherloc (09022015). Collection method: clinical testing. Allele origin: germline.
Comment: This variant is present in population databases (rs551617040, gnomAD 0.003%). This sequence change replaces aspartic acid, which is acidic and polar, with asparagine, which is neutral and polar, at codon 152 of the SLC6A19 protein (p.Asp152Asn). This variant has not been reported in the literature in individuals affected with SLC6A19-related conditions. In summary, the available evidence is currently insufficient to determine the role of this variant in disease. Therefore, it has been classified as a Variant of Uncertain Significance. Algorithms developed to predict the effect of missense changes on protein structure and function (SIFT, PolyPhen-2, Align-GVGD) all suggest that this variant is likely to be tolerated.

NM_001003841.3(SLC6A19):c.454G>A (p.Asp152Asn)

Gene: SLC6A19 (solute carrier family 6 member 19; plus strand). Cytogenetic location: 5p15.33.
Variant type: single nucleotide variant.
Coding change: c.454G>A on transcript NM_001003841.3 (MANE Select); coding-DNA position 454, G replaced by A.
Protein change: p.Asp152Asn; replaces aspartic acid 152 with asparagine.
Molecular consequence: missense variant.
Genome position (GRCh38, 1-based): chr5:1,210,554, G>A. VCF-style: chr5-1210554-G-A. GRCh37 (hg19) VCF-style: chr5-1210669-G-A.
Other names: c.454G>A (NM_001003841.2); short protein forms D152N.
Identifiers: ClinVar variation 1895875 (VCV001895875.5), dbSNP rs551617040, ClinGen allele CA3182702.